The following is an entry in ClinVar:

NM_001042492.3(NF1):c.3086T>C (p.Leu1029Pro)

Gene: NF1 (neurofibromin 1; plus strand). Cytogenetic location: 17q11.2.
Variant type: single nucleotide variant.
Coding change: c.3086T>C on transcript NM_001042492.3 (MANE Select); coding-DNA position 3086, T replaced by C.
Protein change: p.Leu1029Pro; replaces leucine 1029 with proline.
Molecular consequence: missense variant.
Genome position (GRCh38, 1-based): chr17:31,230,355, T>C. VCF-style: chr17-31230355-T-C. GRCh37 (hg19) VCF-style: chr17-29557373-T-C.
Other names: c.3086T>C, p.Leu1029Pro (NM_000267.4); short protein forms L1029P.
Identifiers: ClinVar variation 938133 (VCV000938133.9), dbSNP rs2067092609, ClinGen allele CA398987562.

ClinVar aggregate classification (germline): Uncertain significance. Review status: criteria provided, multiple submitters, no conflicts (2 of 4 stars). 2 submissions from 2 submitters: Uncertain significance (2). Last evaluated 2020-09-30.

Conditions:
Hereditary cancer-predisposing syndrome. Also called: Tumor predisposition; Hereditary neoplastic syndrome; Neoplastic Syndromes, Hereditary; Hereditary Cancer Syndrome. Identifiers: Orphanet 140162, MedGen C0027672, MeSH D009386, MONDO:0015356.
Cardiovascular phenotype. Identifiers: MedGen CN230736.
Neurofibromatosis, type 1 (NF1). Also called: Peripheral type neurofibromatosis; VON RECKLINGHAUSEN DISEASE; Neurofibromatosis, type I; NEUROFIBROMATOSIS, TYPE I, SOMATIC. Identifiers: Orphanet 636, MedGen C0027831, MONDO:0018975, OMIM 162200. Disease mechanism: loss of function.

Allele frequency attached by ClinVar (database versions not stated): gnomAD exomes below 0.00001.
gnomAD v4.1: 1 of 1,613,512 alleles (0.000062%); highest among the groups gnomAD compares: Non-Finnish European, 0.000085%; no homozygotes.

Submissions (2):

Ambry Genetics
Classification: Uncertain significance for Cardiovascular phenotype; Hereditary cancer-predisposing syndrome. Last evaluated: 2020-09-30. Review status: criteria provided, single submitter. Criteria: Ambry Variant Classification Scheme 2023. Collection method: clinical testing. Allele origin: germline.
Comment: The p.L1029P variant (also known as c.3086T>C), located in coding exon 23 of the NF1 gene, results from a T to C substitution at nucleotide position 3086. The leucine at codon 1029 is replaced by proline, an amino acid with similar properties. This amino acid position is highly conserved in available vertebrate species. In addition, this alteration is predicted to be deleterious by in silico analysis. Since supporting evidence is limited at this time, the clinical significance of this alteration remains unclear.

Labcorp Genetics (formerly Invitae), Labcorp
Classification: Uncertain significance for Neurofibromatosis, type 1. Last evaluated: 2019-08-26. Review status: criteria provided, single submitter. Criteria: Invitae Variant Classification Sherloc (09022015). Collection method: clinical testing. Allele origin: germline.
Comment: This sequence change replaces leucine with proline at codon 1029 of the NF1 protein (p.Leu1029Pro). The leucine residue is moderately conserved and there is a moderate physicochemical difference between leucine and proline. This variant is not present in population databases (ExAC no frequency). This variant has been reported in individuals in the Leiden Open-source Variation Database (PMID: 21520333). Algorithms developed to predict the effect of missense changes on protein structure and function are either unavailable or do not agree on the potential impact of this missense change (SIFT: "Deleterious"; PolyPhen-2: "Probably Damaging"; Align-GVGD: "Class C0"). In summary, the available evidence is currently insufficient to determine the role of this variant in disease. Therefore, it has been classified as a Variant of Uncertain Significance.

Literature cited by the submitters: PubMed 21520333 (cited by Labcorp Genetics (formerly Invitae), Labcorp).